The following is an entry in ClinVar:

NM_000944.5(PPP3CA):c.1292T>C (p.Met431Thr)

Gene: PPP3CA (protein phosphatase 3 catalytic subunit alpha; minus strand). Cytogenetic location: 4q24.
Variant type: single nucleotide variant.
Coding change: c.1292T>C on transcript NM_000944.5 (MANE Select); coding-DNA position 1292, T replaced by C.
Protein change: p.Met431Thr; replaces methionine 431 with threonine.
Molecular consequence: missense variant.
Genome position (GRCh38, 1-based): chr4:101,032,314, A>G on the plus strand (T>C on the coding strand, the complement: PPP3CA is on the minus strand). VCF-style: chr4-101032314-A-G. GRCh37 (hg19) VCF-style: chr4-101953471-A-G.
Other names: c.1292T>C, p.Met431Thr (NM_001130691.2); c.1166T>C, p.Met389Thr (NM_001130692.2); short protein forms M389T, M431T.
Identifiers: ClinVar variation 1192161 (VCV001192161.2), dbSNP rs1727004036, ClinGen allele CA357948053.

ClinVar aggregate classification (germline): Uncertain significance (1 of 4 stars; one submission).

Allele frequency attached by ClinVar (database versions not stated): gnomAD exomes below 0.00001; gnomAD 0.00001.
gnomAD v4.1: 2 of 1,612,236 alleles (0.00012%); highest among the groups gnomAD compares: African/African-American, 0.0013%; no homozygotes.

Submission:

GeneDx
Classification: Uncertain significance. Last evaluated: 2019-07-03. Review status: criteria provided, single submitter. Criteria: GeneDx Variant Classification Process June 2021. Collection method: clinical testing. Allele origin: germline. Affected: yes.
Comment: Not observed in large population cohorts (Lek et al., 2016); In silico analysis, which includes protein predictors and evolutionary conservation, supports that this variant does not alter protein structure/function; Has not been previously published as pathogenic or benign to our knowledge